The following is an entry in ClinVar:

NM_181882.3(PRX):c.59T>C (p.Ile20Thr)

Genes: PRX (periaxin; minus strand), LOC130064454 (ATAC-STARR-seq lymphoblastoid active region 14650; plus strand). Cytogenetic location: 19q13.2.
Variant type: single nucleotide variant.
Coding change: c.59T>C on transcript NM_181882.3 (MANE Select); coding-DNA position 59, T replaced by C.
Protein change: p.Ile20Thr; replaces isoleucine 20 with threonine.
Molecular consequence: missense variant.
Genome position (GRCh38, 1-based): chr19:40,403,831, A>G on the plus strand (T>C on the coding strand, the complement: PRX is on the minus strand). VCF-style: chr19-40403831-A-G. GRCh37 (hg19) VCF-style: chr19-40909738-A-G.
Other names: c.59T>C, p.Ile20Thr (NM_020956.2); short protein forms I20T.
Identifiers: ClinVar variation 838311 (VCV000838311.10), dbSNP rs767446213, ClinGen allele CA9444595.

ClinVar aggregate classification (germline): Uncertain significance (1 of 4 stars; one submission).

Conditions:
Charcot-Marie-Tooth disease type 4. Also called: Charcot-Marie-Tooth disease, type IV; Charcot-Marie-Tooth, Type 4. Identifiers: Orphanet 64749, MedGen C4082197, MONDO:0018995.

Allele frequency attached by ClinVar (database versions not stated): gnomAD exomes below 0.00001; ExAC 0.00001; gnomAD 0.00001; TOPMed 0.00001.
gnomAD v4.1: 4 of 1,606,106 alleles (0.00025%); highest among the groups gnomAD compares: African/African-American, 0.0027%; no homozygotes.

Submission:

Labcorp Genetics (formerly Invitae), Labcorp
Classification: Uncertain significance for Charcot-Marie-Tooth disease type 4. Last evaluated: 2019-01-04. Review status: criteria provided, single submitter. Criteria: Invitae Variant Classification Sherloc (09022015). Collection method: clinical testing. Allele origin: germline.
Comment: This sequence change replaces isoleucine with threonine at codon 20 of the PRX protein (p.Ile20Thr). The isoleucine residue is highly conserved and there is a moderate physicochemical difference between isoleucine and threonine. In summary, the available evidence is currently insufficient to determine the role of this variant in disease. Therefore, it has been classified as a Variant of Uncertain Significance. Algorithms developed to predict the effect of missense changes on protein structure and function (SIFT, PolyPhen-2, Align-GVGD) all suggest that this variant is likely to be tolerated, but these predictions have not been confirmed by published functional studies and their clinical significance is uncertain. This variant has not been reported in the literature in individuals with PRX-related conditions. This variant is present in population databases (rs767446213, ExAC 0.02%).